The following is an entry in ClinVar:

ClinVar aggregate classification (germline): Uncertain significance (1 of 4 stars; one submission).

Allele frequency attached by ClinVar (database versions not stated): ExAC 0.00003; gnomAD exomes 0.00004; ESP Exome Variant Server 0.00008.
gnomAD v4.1: 32 of 1,614,054 alleles (0.002%); highest among the groups gnomAD compares: African/African-American, 0.037%; no homozygotes.

Submission:

Labcorp Genetics (formerly Invitae), Labcorp
Classification: Uncertain significance. Last evaluated: 2022-08-19. Review status: criteria provided, single submitter. Criteria: Invitae Variant Classification Sherloc (09022015). Collection method: clinical testing. Allele origin: germline.
Comment: In summary, the available evidence is currently insufficient to determine the role of this variant in disease. Therefore, it has been classified as a Variant of Uncertain Significance. Algorithms developed to predict the effect of missense changes on protein structure and function (SIFT, PolyPhen-2, Align-GVGD) all suggest that this variant is likely to be disruptive. ClinVar contains an entry for this variant (Variation ID: 1413928). This variant has not been reported in the literature in individuals affected with C8B-related conditions. This variant is present in population databases (rs375513059, gnomAD 0.05%). This sequence change replaces aspartic acid, which is acidic and polar, with histidine, which is basic and polar, at codon 192 of the C8B protein (p.Asp192His).

NM_000066.4(C8B):c.574G>C (p.Asp192His)

Gene: C8B (complement C8 beta chain; minus strand). Cytogenetic location: 1p32.2.
Variant type: single nucleotide variant.
Coding change: c.574G>C on transcript NM_000066.4 (MANE Select); coding-DNA position 574, G replaced by C.
Protein change: p.Asp192His; replaces aspartic acid 192 with histidine.
Molecular consequence: missense variant.
Genome position (GRCh38, 1-based): chr1:56,952,140, C>G on the plus strand (G>C on the coding strand, the complement: C8B is on the minus strand). VCF-style: chr1-56952140-C-G. GRCh37 (hg19) VCF-style: chr1-57417813-C-G.
Other names: c.418G>C, p.Asp140His (NM_001278543.2); c.388G>C, p.Asp130His (NM_001278544.2); short protein forms D192H, D140H, D130H.
Identifiers: ClinVar variation 1413928 (VCV001413928.4), dbSNP rs375513059, ClinGen allele CA875925.